The following is an entry in ClinVar:

NM_001374736.1(DST):c.15836A>G (p.Gln5279Arg)

Gene: DST (dystonin; minus strand). Cytogenetic location: 6p12.1.
Variant type: single nucleotide variant.
Coding change: c.15836A>G on transcript NM_001374736.1 (MANE Select); coding-DNA position 15836, A replaced by G.
Protein change: p.Gln5279Arg; replaces glutamine 5279 with arginine.
Molecular consequence: missense variant.
Genome position (GRCh38, 1-based): chr6:56,552,956, T>C on the plus strand (A>G on the coding strand, the complement: DST is on the minus strand). VCF-style: chr6-56552956-T-C. GRCh37 (hg19) VCF-style: chr6-56417754-T-C.
Other names: c.9479A>G, p.Gln3160Arg (NM_001144769.5); c.9065A>G, p.Gln3022Arg (NM_001144770.2); c.15836A>G, p.Gln5279Arg (NM_001374722.1); c.15203A>G, p.Gln5068Arg (NM_001374729.1); c.8945A>G, p.Gln2982Arg (NM_001374730.1, NM_001386100.1, NM_183380.4); c.15863A>G, p.Gln5288Arg (NM_001374734.1); c.7967A>G, p.Gln2656Arg (NM_015548.5); short protein forms Q2656R, Q5068R, Q3160R, Q5288R, Q2982R, Q3022R, Q5279R.
Identifiers: ClinVar variation 1414115 (VCV001414115.6), dbSNP rs1480196650, ClinGen allele CA364515763.

ClinVar aggregate classification (germline): Uncertain significance (1 of 4 stars; one submission).

Conditions:
Hereditary sensory and autonomic neuropathy type 6. Also called: HSAN VI; Neuropathy, hereditary sensory and autonomic, type VI. Identifiers: Orphanet 314381, MedGen C3539003, MONDO:0013839, OMIM 614653.
Epidermolysis bullosa simplex 3, localized or generalized intermediate, with BP230 deficiency (EBS3). Also called: Epidermolysis bullosa simplex, autosomal recessive 2; Epidermolysis bullosa simplex due to BP230 deficiency. Identifiers: Orphanet 412181, MedGen C3809470, MONDO:0014180, OMIM 615425.

Submission:

Labcorp Genetics (formerly Invitae), Labcorp
Classification: Uncertain significance for Epidermolysis bullosa simplex 3, localized or generalized intermediate, with BP230 deficiency; Hereditary sensory and autonomic neuropathy type 6. Last evaluated: 2021-07-22. Review status: criteria provided, single submitter. Criteria: Invitae Variant Classification Sherloc (09022015). Collection method: clinical testing. Allele origin: germline.
Comment: In summary, the available evidence is currently insufficient to determine the role of this variant in disease. Therefore, it has been classified as a Variant of Uncertain Significance. Experimental studies and prediction algorithms are not available or were not evaluated, and the functional significance of this variant is currently unknown. This variant has not been reported in the literature in individuals affected with DST-related conditions. This variant is not present in population databases (ExAC no frequency). This sequence change replaces glutamine with arginine at codon 2656 of the DST protein (p.Gln2656Arg). The DST gene has multiple clinically relevant transcripts. This variant occurs in alternate transcript NM_015548.4, and corresponds to NM_001723.5:c.*62561A>G in the primary transcript.